The following is an entry in ClinVar:

NM_001029883.3(PCARE):c.2159G>A (p.Trp720Ter)

Gene: PCARE (photoreceptor cilium actin regulator; minus strand). Cytogenetic location: 2p23.2.
Variant type: single nucleotide variant.
Coding change: c.2159G>A on transcript NM_001029883.3 (MANE Select); coding-DNA position 2159, G replaced by A.
Protein change: p.Trp720Ter; replaces tryptophan 720 with a stop codon.
Molecular consequence: nonsense.
Genome position (GRCh38, 1-based): chr2:29,072,103, C>T on the plus strand (G>A on the coding strand, the complement: PCARE is on the minus strand). VCF-style: chr2-29072103-C-T. GRCh37 (hg19) VCF-style: chr2-29294969-C-T.
Other names: c.2159G>A (NM_001029883.2); short protein forms W720*.
Identifiers: ClinVar variation 2823321 (VCV002823321.7), dbSNP rs2465275931, ClinGen allele CA346478116.
Genomic context (GRCh38, chr2:29,072,103, plus strand): 5'-GGACTGAAAGTTTCAATAAGCTTCTTGACGGATGTTCTGGTGGGACAGCCTCTGACATTC[C>T]AGTCTGTGGCCTTGGCAGCCTCACTGACCTCTCCTGATGGGATGGCATTTGGAAGCTTCC-3'

ClinVar aggregate classification (germline): Pathogenic/Likely pathogenic. Review status: criteria provided, multiple submitters, no conflicts (2 of 4 stars). 5 submissions from 5 submitters: Pathogenic (3); Likely pathogenic (1). 1 of the submissions does not count toward it. Last evaluated 2025-02-16.

Conditions:
Retinitis pigmentosa 54 (RP54). Identifiers: Orphanet 791, MedGen C3150691, MONDO:0013263, OMIM 613428.
PCARE-related disorder. Also called: PCARE-related condition.
Retinal dystrophy. Also called: Inherited retinal dystrophy. Identifiers: Orphanet 71862, MedGen C0854723, MeSH D058499, MONDO:0019118, HP:0000556.
Retinitis pigmentosa (RP). Identifiers: Orphanet 791, MedGen C0035334, MeSH D012174, MONDO:0019200, OMIM 268000. Inheritance: Autosomal dominant, autosomal recessive and X linked inheritance.

Allele frequency attached by ClinVar (database versions not stated): gnomAD exomes below 0.00001.

Submissions (5):

Palindrome, Gene Kavoshgaran Aria
Classification: Pathogenic for Retinitis pigmentosa 54. Last evaluated: 2025-02-16. Review status: criteria provided, single submitter. Criteria: ACMG Guidelines, 2015. Collection method: clinical testing. Allele origin: germline. Inheritance: Autosomal recessive inheritance. Affected: yes. Observed: 1 homozygote.

Lab De Baere, Eye and Developmental Genetics Lab, Ghent University
Classification: Pathogenic for Retinitis pigmentosa. Last evaluated: 2024-10-01. Review status: criteria provided, single submitter. Criteria: ACMG Guidelines, 2015. Collection method: research. Allele origin: inherited. Affected: yes. Observed: 1 variant allele.
Comment: ACMG/AMP guidelines: PM2, PVS1, PP1, PM3_PP

Labcorp Genetics (formerly Invitae), Labcorp
Classification: Pathogenic. Last evaluated: 2022-12-22. Review status: criteria provided, single submitter. Criteria: Invitae Variant Classification Sherloc (09022015). Collection method: clinical testing. Allele origin: germline.
Comment: For these reasons, this variant has been classified as Pathogenic. This variant has not been reported in the literature in individuals affected with PCARE-related conditions. This variant is not present in population databases (gnomAD no frequency). This sequence change creates a premature translational stop signal (p.Trp720*) in the PCARE gene. It is expected to result in an absent or disrupted protein product. Loss-of-function variants in PCARE are known to be pathogenic (PMID: 20398886, 24339724, 26496393).

Blueprint Genetics
Classification: Likely pathogenic for PCARE-related disorders. Last evaluated: 2022-01-13. Review status: criteria provided, single submitter. Criteria: ACMG Guidelines, 2015. Collection method: clinical testing. Allele origin: germline. Affected: yes. Observed: 2 variant alleles.

Institute of Human Genetics, Univ. Regensburg, Univ. Regensburg
Classification: Pathogenic for Retinal dystrophy. Last evaluated: 2021-01-01. Review status: no assertion criteria provided. Criteria: ACMG Guidelines, 2015. Collection method: clinical testing. Allele origin: germline. Affected: yes. Not counted in ClinVar's aggregate classification.

Literature cited by the submitters: PubMed 20398886 (cited by Labcorp Genetics (formerly Invitae), Labcorp); PubMed 24339724 (cited by Labcorp Genetics (formerly Invitae), Labcorp); PubMed 26496393 (cited by Labcorp Genetics (formerly Invitae), Labcorp).